The following is an entry in ClinVar:

ClinVar aggregate classification (germline): Uncertain significance (1 of 4 stars; one submission).

Submission:

Labcorp Genetics (formerly Invitae), Labcorp
Classification: Uncertain significance. Last evaluated: 2022-09-13. Review status: criteria provided, single submitter. Criteria: Invitae Variant Classification Sherloc (09022015). Collection method: clinical testing. Allele origin: germline.
Comment: In summary, the available evidence is currently insufficient to determine the role of this variant in disease. Therefore, it has been classified as a Variant of Uncertain Significance. Advanced modeling of protein sequence and biophysical properties (such as structural, functional, and spatial information, amino acid conservation, physicochemical variation, residue mobility, and thermodynamic stability) performed at Invitae indicates that this missense variant is expected to disrupt SLC12A6 protein function. ClinVar contains an entry for this variant (Variation ID: 1518988). This variant has not been reported in the literature in individuals affected with SLC12A6-related conditions. This variant is not present in population databases (gnomAD no frequency). This sequence change replaces glycine, which is neutral and non-polar, with valine, which is neutral and non-polar, at codon 441 of the SLC12A6 protein (p.Gly441Val).

NM_001365088.1(SLC12A6):c.1322G>T (p.Gly441Val)

Gene: SLC12A6 (solute carrier family 12 member 6; minus strand). Cytogenetic location: 15q14.
Variant type: single nucleotide variant.
Coding change: c.1322G>T on transcript NM_001365088.1 (MANE Select); coding-DNA position 1322, G replaced by T.
Protein change: p.Gly441Val; replaces glycine 441 with valine.
Molecular consequence: missense variant.
Genome position (GRCh38, 1-based): chr15:34,252,181, C>A on the plus strand (G>T on the coding strand, the complement: SLC12A6 is on the minus strand). VCF-style: chr15-34252181-C-A. GRCh37 (hg19) VCF-style: chr15-34544382-C-A.
Other names: c.1145G>T, p.Gly382Val (NM_001042494.2, NM_001042495.2); c.1295G>T, p.Gly432Val (NM_001042496.2); c.1277G>T, p.Gly426Val (NM_001042497.2); c.1169G>T, p.Gly390Val (NM_005135.2); c.1322G>T, p.Gly441Val (NM_133647.2); short protein forms G426V, G432V, G441V, G382V, G390V.
Identifiers: ClinVar variation 1518988 (VCV001518988.8), dbSNP rs1192661841, ClinGen allele CA391607076.